The following is an entry in ClinVar:

ClinVar aggregate classification (germline): Uncertain significance (1 of 4 stars; one submission).

Allele frequency attached by ClinVar (database versions not stated): gnomAD exomes below 0.00001.
gnomAD v4.1: 2 of 1,614,138 alleles (0.00012%); highest among the groups gnomAD compares: Non-Finnish European, 0.00017%; no homozygotes.

Submission:

GeneDx
Classification: Uncertain significance. Last evaluated: 2023-04-02. Review status: criteria provided, single submitter. Criteria: GeneDx Variant Classification Process June 2021. Collection method: clinical testing. Allele origin: germline. Affected: yes.
Comment: Not observed at significant frequency in large population cohorts (gnomAD); In silico analysis supports that this missense variant does not alter protein structure/function; Has not been previously published as pathogenic or benign to our knowledge

NM_005121.3(MED13):c.4628C>T (p.Ser1543Phe)

Gene: MED13 (mediator complex subunit 13; minus strand). Cytogenetic location: 17q23.2.
Variant type: single nucleotide variant.
Coding change: c.4628C>T on transcript NM_005121.3 (MANE Select); coding-DNA position 4628, C replaced by T.
Protein change: p.Ser1543Phe; replaces serine 1543 with phenylalanine.
Molecular consequence: missense variant.
Genome position (GRCh38, 1-based): chr17:61,965,222, G>A on the plus strand (C>T on the coding strand, the complement: MED13 is on the minus strand). VCF-style: chr17-61965222-G-A. GRCh37 (hg19) VCF-style: chr17-60042583-G-A.
Other names: short protein forms S1543F.
Identifiers: ClinVar variation 2582137 (VCV002582137.1), dbSNP rs2062326244, ClinGen allele CA400496588.